The following is an entry in ClinVar:

NM_001458.5(FLNC):c.5486C>T (p.Thr1829Ile)

Genes: FLNC (filamin C; plus strand), FLNC-AS1 (FLNC antisense RNA 1; minus strand). Cytogenetic location: 7q32.1.
Variant type: single nucleotide variant.
Coding change: c.5486C>T on transcript NM_001458.5 (MANE Select); coding-DNA position 5486, C replaced by T.
Protein change: p.Thr1829Ile; replaces threonine 1829 with isoleucine.
Molecular consequence: missense variant.
Genome position (GRCh38, 1-based): chr7:128,850,890, C>T. VCF-style: chr7-128850890-C-T. GRCh37 (hg19) VCF-style: chr7-128490944-C-T.
Other names: c.5387C>T, p.Thr1796Ile (NM_001127487.2); short protein forms T1796I, T1829I.
Identifiers: ClinVar variation 645091 (VCV000645091.12), dbSNP rs1585166066, ClinGen allele CA369206855.

ClinVar aggregate classification (germline): Uncertain significance. Review status: criteria provided, multiple submitters, no conflicts (2 of 4 stars). 2 submissions from 2 submitters: Uncertain significance (2). Last evaluated 2025-05-22.

Conditions:
Distal myopathy with posterior leg and anterior hand involvement. Also called: WILLIAMS DISTAL MYOPATHY. Identifiers: Orphanet 63273, MedGen C3279722, MONDO:0013550, OMIM 614065.
Hypertrophic cardiomyopathy 26. Also called: Cardiomyopathy, familial hypertrophic, 26. Identifiers: Orphanet 75249, MedGen C4310749, MONDO:0014883, OMIM 617047.
Myofibrillar myopathy 5. Also called: Filaminopathy (type); FILAMINOPATHY, AUTOSOMAL DOMINANT. Identifiers: Orphanet 171445, MedGen C1836050, MONDO:0012289, OMIM 609524.

Allele frequency attached by ClinVar (database versions not stated): gnomAD exomes below 0.00001.

Submissions (2):

Labcorp Genetics (formerly Invitae), Labcorp
Classification: Uncertain significance for Distal myopathy with posterior leg and anterior hand involvement; Myofibrillar myopathy 5; Hypertrophic cardiomyopathy 26. Last evaluated: 2025-05-22. Review status: criteria provided, single submitter. Criteria: Invitae Variant Classification Sherloc (09022015). Collection method: clinical testing. Allele origin: germline.
Comment: This sequence change replaces threonine, which is neutral and polar, with isoleucine, which is neutral and non-polar, at codon 1829 of the FLNC protein (p.Thr1829Ile). This variant is not present in population databases (gnomAD no frequency). This variant has not been reported in the literature in individuals affected with FLNC-related conditions. ClinVar contains an entry for this variant (Variation ID: 645091). Invitae Evidence Modeling of protein sequence and biophysical properties (such as structural, functional, and spatial information, amino acid conservation, physicochemical variation, residue mobility, and thermodynamic stability) has been performed for this missense variant. However, the output from this modeling did not meet the statistical confidence thresholds required to predict the impact of this variant on FLNC protein function. In summary, the available evidence is currently insufficient to determine the role of this variant in disease. Therefore, it has been classified as a Variant of Uncertain Significance.

Dasa
Classification: Uncertain significance. Last evaluated: 2025-02-15. Review status: criteria provided, single submitter. Criteria: DASA Assertion Criteria. Collection method: clinical testing. Allele origin: germline.
Comment: NM_001458.5(FLNC):c.5486C>T (p.Thr1829Ile) is a missense variant that results in the substitution of threonine with isoleucine. This variant is rare in population databases. Computational prediction algorithms are consistent with a benign effect. The currently available literature and clinical evidence are not sufficient to establish a definitive association between this variant and the reported condition. Therefore, this variant is classified as a variant of uncertain significance.